The following is an entry in ClinVar:

ClinVar aggregate classification (germline): Uncertain significance (1 of 4 stars; one submission).

Conditions:
Autoimmune lymphoproliferative syndrome type 1. Also called: AUTOIMMUNE LYMPHOPROLIFERATIVE SYNDROME, TYPE I, AUTOSOMAL DOMINANT. Identifiers: Orphanet 3261, MedGen C2717884, MONDO:0011158, OMIM 601859.

Allele frequency attached by ClinVar (database versions not stated): TOPMed below 0.00001; gnomAD exomes 0.00001.

Submission:

Labcorp Genetics (formerly Invitae), Labcorp
Classification: Uncertain significance for Autoimmune lymphoproliferative syndrome. Last evaluated: 2025-07-07. Review status: criteria provided, single submitter. Criteria: Invitae Variant Classification Sherloc (09022015). Collection method: clinical testing. Allele origin: germline.
Comment: This sequence change replaces methionine, which is neutral and non-polar, with threonine, which is neutral and polar, at codon 158 of the FASLG protein (p.Met158Thr). This variant is present in population databases (no rsID available, gnomAD 0.0009%). This variant has not been reported in the literature in individuals affected with FASLG-related conditions. ClinVar contains an entry for this variant (Variation ID: 3003503). Invitae Evidence Modeling of protein sequence and biophysical properties (such as structural, functional, and spatial information, amino acid conservation, physicochemical variation, residue mobility, and thermodynamic stability) indicates that this missense variant is not expected to disrupt FASLG protein function with a negative predictive value of 80%. In summary, the available evidence is currently insufficient to determine the role of this variant in disease. Therefore, it has been classified as a Variant of Uncertain Significance.

NM_000639.3(FASLG):c.473T>C (p.Met158Thr)

Gene: FASLG (Fas ligand; plus strand). Cytogenetic location: 1q24.3.
Variant type: single nucleotide variant.
Coding change: c.473T>C on transcript NM_000639.3 (MANE Select); coding-DNA position 473, T replaced by C.
Protein change: p.Met158Thr; replaces methionine 158 with threonine.
Molecular consequence: missense variant. On other transcripts: 3 prime UTR variant (1).
Genome position (GRCh38, 1-based): chr1:172,665,643, T>C. VCF-style: chr1-172665643-T-C. GRCh37 (hg19) VCF-style: chr1-172634783-T-C.
Other names: c.*43T>C (NM_001302746.2); short protein forms M158T.
Identifiers: ClinVar variation 3003503 (VCV003003503.3), dbSNP rs1183133283, ClinGen allele CA343805928.